The following is an entry in ClinVar:

NM_001005273.3(CHD3):c.5577C>A (p.Ala1859=)

Gene: CHD3 (chromodomain helicase DNA binding protein 3; plus strand). Cytogenetic location: 17p13.1.
Variant type: single nucleotide variant.
Coding change: c.5577C>A on transcript NM_001005273.3 (MANE Select); coding-DNA position 5577, C replaced by A.
Protein change: p.Ala1859=; no amino-acid change (alanine 1859 retained).
Molecular consequence: synonymous variant.
Genome position (GRCh38, 1-based): chr17:7,909,325, C>A. VCF-style: chr17-7909325-C-A. GRCh37 (hg19) VCF-style: chr17-7812643-C-A.
Other names: c.5754C>A, p.Ala1918= (NM_001005271.3); c.5475C>A, p.Ala1825= (NM_005852.4).
Identifiers: ClinVar variation 3778620 (VCV003778620.7).
Genomic context (GRCh38, chr17:7,909,325, plus strand): 5'-GGCCGAGAGCCACCAGCACCTCTCCAAGGAGTCGCTGGCGGGGAACAAGCCGGCCAACGC[C>A]GTCCTGCACAAGGGTAAGGGCCGCGGCGGCCCCGCGCGGGGGAGGGCCCACAACGCTGCG-3'
Protein context (NP_001005273.1, residues 1849-1869): ESLAGNKPAN[Ala1859=]VLHKVLNQLE

ClinVar aggregate classification (germline): Likely benign (1 of 4 stars; one submission).

gnomAD v4.1: 2 of 1,556,644 alleles (0.00013%); highest among the groups gnomAD compares: Non-Finnish European, 0.00017%; no homozygotes.

Submission:

CeGaT Center for Human Genetics Tuebingen
Classification: Likely benign. Last evaluated: 2025-04-01. Review status: criteria provided, single submitter. Criteria: CeGaT Center For Human Genetics Tuebingen Variant Classification Criteria Version 2. Collection method: clinical testing. Allele origin: germline. Affected: yes. Observed: 1 variant allele.
Comment: CHD3: BP4, BP7